The following is an entry in ClinVar:

NM_000130.5(F5):c.4534A>G (p.Ile1512Val)

Gene: F5 (coagulation factor V; minus strand). Cytogenetic location: 1q24.2.
Variant type: single nucleotide variant.
Coding change: c.4534A>G on transcript NM_000130.5 (MANE Select); coding-DNA position 4534, A replaced by G.
Protein change: p.Ile1512Val; replaces isoleucine 1512 with valine.
Molecular consequence: missense variant.
Genome position (GRCh38, 1-based): chr1:169,540,556, T>C on the plus strand (A>G on the coding strand, the complement: F5 is on the minus strand). VCF-style: chr1-169540556-T-C. GRCh37 (hg19) VCF-style: chr1-169509794-T-C.
Other names: short protein forms I1512V.
Identifiers: ClinVar variation 2889776 (VCV002889776.3), dbSNP rs2526387597, ClinGen allele CA343142981.

ClinVar aggregate classification (germline): Uncertain significance (1 of 4 stars; one submission).

Conditions:
Congenital factor V deficiency. Also called: Hereditary factor V deficiency disease; LABILE FACTOR DEFICIENCY; OWREN PARAHEMOPHILIA; PARAHEMOPHILIA. Identifiers: Orphanet 326, MedGen C0015499, MONDO:0009210, OMIM 227400.

Allele frequency attached by ClinVar (database versions not stated): gnomAD exomes below 0.00001.
gnomAD v4.1: 4 of 1,614,038 alleles (0.00025%); highest among the groups gnomAD compares: Non-Finnish European, 0.00034%; no homozygotes.

Submission:

Labcorp Genetics (formerly Invitae), Labcorp
Classification: Uncertain significance for Congenital factor V deficiency. Last evaluated: 2023-09-12. Review status: criteria provided, single submitter. Criteria: Invitae Variant Classification Sherloc (09022015). Collection method: clinical testing. Allele origin: germline.
Comment: This sequence change replaces isoleucine, which is neutral and non-polar, with valine, which is neutral and non-polar, at codon 1512 of the F5 protein (p.Ile1512Val). This variant is not present in population databases (gnomAD no frequency). In summary, the available evidence is currently insufficient to determine the role of this variant in disease. Therefore, it has been classified as a Variant of Uncertain Significance. Advanced modeling of protein sequence and biophysical properties (such as structural, functional, and spatial information, amino acid conservation, physicochemical variation, residue mobility, and thermodynamic stability) performed at Invitae indicates that this missense variant is not expected to disrupt F5 protein function. This variant has not been reported in the literature in individuals affected with F5-related conditions.